The following is an entry in ClinVar:

ClinVar aggregate classification (germline): Uncertain significance. Review status: criteria provided, multiple submitters, no conflicts (2 of 4 stars). 3 submissions from 3 submitters: Uncertain significance (3). Last evaluated 2023-01-10.

Conditions:
Inborn genetic diseases. Identifiers: MedGen C0950123, MeSH D030342.

Allele frequency attached by ClinVar (database versions not stated): gnomAD exomes 0.00005 and 0.00008; TOPMed 0.00005; gnomAD 0.00006; 1000 Genomes Project 30x 0.00016; 1000 Genomes Project 0.00020.
gnomAD v4.1: 115 of 1,551,292 alleles (0.0074%); highest among the groups gnomAD compares: Non-Finnish European, 0.0098%; no homozygotes.

Submissions (3):

Ambry Genetics
Classification: Uncertain significance for Inborn genetic diseases. Last evaluated: 2023-01-10. Review status: criteria provided, single submitter. Criteria: Ambry Variant Classification Scheme 2023. Collection method: clinical testing. Allele origin: germline.

Labcorp Genetics (formerly Invitae), Labcorp
Classification: Uncertain significance. Last evaluated: 2022-05-29. Review status: criteria provided, single submitter. Criteria: Invitae Variant Classification Sherloc (09022015). Collection method: clinical testing. Allele origin: germline.
Comment: This sequence change replaces histidine, which is basic and polar, with tyrosine, which is neutral and polar, at codon 1766 of the EYS protein (p.His1766Tyr). This variant is present in population databases (rs190942468, gnomAD 0.01%). This variant has not been reported in the literature in individuals affected with EYS-related conditions. ClinVar contains an entry for this variant (Variation ID: 1407006). Algorithms developed to predict the effect of missense changes on protein structure and function output the following: SIFT: "Tolerated"; PolyPhen-2: "Benign"; Align-GVGD: "Class C0". The tyrosine amino acid residue is found in multiple mammalian species, which suggests that this missense change does not adversely affect protein function. In summary, the available evidence is currently insufficient to determine the role of this variant in disease. Therefore, it has been classified as a Variant of Uncertain Significance.

Blueprint Genetics
Classification: Uncertain significance. Last evaluated: 2020-02-28. Review status: criteria provided, single submitter. Criteria: ACMG Guidelines, 2015. Collection method: clinical testing. Allele origin: germline.

NM_001142800.2(EYS):c.5296C>T (p.His1766Tyr)

Gene: EYS (EGF-like photoreceptor maintenance factor; minus strand). Cytogenetic location: 6q12.
Variant type: single nucleotide variant.
Coding change: c.5296C>T on transcript NM_001142800.2 (MANE Select); coding-DNA position 5296, C replaced by T.
Protein change: p.His1766Tyr; replaces histidine 1766 with tyrosine.
Molecular consequence: missense variant.
Genome position (GRCh38, 1-based): chr6:64,590,571, G>A on the plus strand (C>T on the coding strand, the complement: EYS is on the minus strand). VCF-style: chr6-64590571-G-A. GRCh37 (hg19) VCF-style: chr6-65300464-G-A.
Other names: c.5296C>T (NM_001142800.1); c.5296C>T, p.His1766Tyr (NM_001292009.2); short protein forms H1766Y.
Identifiers: ClinVar variation 1407006 (VCV001407006.7), dbSNP rs190942468, ClinGen allele CA140340890.
Genomic context (GRCh38, chr6:64,590,571, plus strand): 5'-CTGAAAAATCAGGCACTGAGCCTGTCAATGGTGGCAGATTATTTTTGAAGTCATTTGCAT[G>A]TGTAATTTCTGAATATGTCTTTAAAGTAACATCCGGATAAATTTGTAAGTTTAACTCAAA-3'
Protein context (NP_001136272.1, residues 1756-1776): VTLKTYSEIT[His1766Tyr]ANDFKNNLPP